The following is an entry in ClinVar:

ClinVar aggregate classification (germline): Pathogenic/Likely pathogenic. Review status: criteria provided, multiple submitters, no conflicts (2 of 4 stars). 5 submissions from 5 submitters: Pathogenic (2); Likely pathogenic (2). 1 of the submissions does not count toward it. Last evaluated 2024-05-11.

Conditions:
Spastic paraplegia. Identifiers: MedGen C0037772, HP:0001258.
Hereditary spastic paraplegia 15 (SPG15). Also called: KJELLIN SYNDROME; SPASTIC PARAPLEGIA AND RETINAL DEGENERATION; SPASTIC PARAPLEGIA 15, AUTOSOMAL RECESSIVE. Identifiers: Orphanet 100996, MedGen C1849128, MONDO:0010044, OMIM 270700.

Allele frequency attached by ClinVar (database versions not stated): ESP Exome Variant Server 0.00008.

Submissions (5):

Fulgent Genetics
Classification: Pathogenic for Hereditary spastic paraplegia 15. Last evaluated: 2024-05-11. Review status: criteria provided, single submitter. Criteria: ACMG Guidelines, 2015. Collection method: clinical testing. Allele origin: germline.

Labcorp Genetics (formerly Invitae), Labcorp
Classification: Pathogenic for Spastic paraplegia. Last evaluated: 2024-01-27. Review status: criteria provided, single submitter. Criteria: Invitae Variant Classification Sherloc (09022015). Collection method: clinical testing. Allele origin: germline.
Comment: This sequence change creates a premature translational stop signal (p.Cys2347*) in the ZFYVE26 gene. It is expected to result in an absent or disrupted protein product. Loss-of-function variants in ZFYVE26 are known to be pathogenic (PMID: 18394578, 19805727). This variant is present in population databases (rs370837940, gnomAD 0.0009%). This variant has not been reported in the literature in individuals affected with ZFYVE26-related conditions. ClinVar contains an entry for this variant (Variation ID: 424005). Algorithms developed to predict the effect of sequence changes on RNA splicing suggest that this variant may disrupt the consensus splice site. For these reasons, this variant has been classified as Pathogenic.

Athena Diagnostics
Classification: Likely pathogenic. Last evaluated: 2021-02-15. Review status: criteria provided, single submitter. Criteria: Athena Diagnostics criteria. Collection method: clinical testing. Allele origin: unknown.
Comment: This variant is expected to result in the loss of a functional protein. The frequency of this variant in the general population is consistent with pathogenicity.

GeneDx
Classification: Likely pathogenic. Last evaluated: 2020-03-10. Review status: criteria provided, single submitter. Criteria: GeneDx Variant Classification Process June 2021. Collection method: clinical testing. Allele origin: germline. Affected: yes.
Comment: Nonsense variant predicted to result in protein truncation or nonsense mediated decay in a gene for which loss-of-function is a known mechanism of disease; Not observed at a significant frequency in large population cohorts (Lek et al., 2016); Has not been previously published as pathogenic or benign to our knowledge

Counsyl
Classification: Likely pathogenic for Hereditary spastic paraplegia 15. Last evaluated: 2016-10-13. Review status: no assertion criteria provided. Collection method: clinical testing. Allele origin: unknown. Not counted in ClinVar's aggregate classification.

Literature cited by the submitters: PubMed 18394578 (cited by Labcorp Genetics (formerly Invitae), Labcorp); PubMed 19805727 (cited by Labcorp Genetics (formerly Invitae), Labcorp).

NM_015346.4(ZFYVE26):c.7041C>A (p.Cys2347Ter)

Gene: ZFYVE26 (zinc finger FYVE-type containing 26; minus strand). Cytogenetic location: 14q24.1.
Variant type: single nucleotide variant.
Coding change: c.7041C>A on transcript NM_015346.4 (MANE Select); coding-DNA position 7041, C replaced by A.
Protein change: p.Cys2347Ter; replaces cysteine 2347 with a stop codon.
Molecular consequence: nonsense.
Genome position (GRCh38, 1-based): chr14:67,754,158, G>T on the plus strand (C>A on the coding strand, the complement: ZFYVE26 is on the minus strand). VCF-style: chr14-67754158-G-T. GRCh37 (hg19) VCF-style: chr14-68220875-G-T.
Other names: short protein forms C2347*.
Identifiers: ClinVar variation 424005 (VCV000424005.14), dbSNP rs370837940, ClinGen allele CA7239079.
Genomic context (GRCh38, chr14:67,754,158, plus strand): 5'-GTTATTTCCAAACAGGGTTGGCAGAGGCAAAGTGGTGATTTGAGAGGTCCCAGCACTTTC[G>T]CACCGATGCAAGAACCTGGTCACTTCCATCTGCAGCTGAAGTGTGTTCATGTGCCTGTGG-3'